The following is an entry in ClinVar:

NM_018406.7(MUC4):c.6853_6948del (p.Asp2285_Gly2316del)

Gene: MUC4 (mucin 4, cell surface associated). Cytogenetic location: 3q29.
Variant type: Deletion.
Coding change: c.6853_6948del on transcript NM_018406.7 (MANE Select); coding-DNA positions 6853 to 6948, 96 bases deleted.
Protein change: p.Asp2285_Gly2316del.
Molecular consequence: inframe deletion. On other transcripts: genic upstream transcript variant (2).
Genome position: GRCh38: chr3:195,784,642-195,784,737. GRCh37 (hg19): chr3:195,511,513-195,511,608.
Other names: c.10036_10131del, p.Asp3346_Gly3377del (NM_001322468.1); c.83-10422_83-10327del (NM_138297.5); c.83-6272_83-6177del (NM_004532.6).
Identifiers: ClinVar variation 2654465 (VCV002654465.24), dbSNP rs1560356761, ClinGen allele CA2772681.

ClinVar aggregate classification (germline): Likely benign (1 of 4 stars; one submission).

Submission:

CeGaT Center for Human Genetics Tuebingen
Classification: Likely benign. Last evaluated: 2023-04-01. Review status: criteria provided, single submitter. Criteria: CeGaT Center For Human Genetics Tuebingen Variant Classification Criteria Version 2. Collection method: clinical testing. Allele origin: germline. Affected: yes. Observed: 1 variant allele.
Comment: MUC4: BS2